The following is an entry in ClinVar:

NM_000069.3(CACNA1S):c.2906+6T>C

Gene: CACNA1S (calcium voltage-gated channel subunit alpha1 S; minus strand). Cytogenetic location: 1q32.1.
Variant type: single nucleotide variant.
Coding change: c.2906+6T>C on transcript NM_000069.3 (MANE Select); 6 bases into the intron after coding-DNA position 2906, T replaced by C.
Molecular consequence: intron variant.
Genome position (GRCh38, 1-based): chr1:201,062,456, A>G on the plus strand (T>C on the coding strand, the complement: CACNA1S is on the minus strand). VCF-style: chr1-201062456-A-G. GRCh37 (hg19) VCF-style: chr1-201031584-A-G.
Identifiers: ClinVar variation 3075182 (VCV003075182.2), dbSNP rs936662369, ClinGen allele CA36008331.

ClinVar aggregate classification (germline): Uncertain significance. Review status: criteria provided, multiple submitters, no conflicts (2 of 4 stars). 2 submissions from 2 submitters: Uncertain significance (2). Last evaluated 2025-06-18.

Conditions:
Malignant hyperthermia, susceptibility to, 5 (MHS5). Also called: CACNA1S-Related Malignant Hyperthermia Susceptibility. Identifiers: Orphanet 423, MedGen C1866077, MONDO:0011163, OMIM 601887.

Allele frequency attached by ClinVar (database versions not stated): gnomAD exomes below 0.00001; TOPMed 0.00001.
gnomAD v4.1: 2 of 1,594,480 alleles (0.00013%); highest among the groups gnomAD compares: Admixed American, 0.0017%; no homozygotes.

Submissions (2):

Color Diagnostics, LLC DBA Color Health
Classification: Uncertain significance for Malignant hyperthermia, susceptibility to, 5. Last evaluated: 2025-06-18. Review status: criteria provided, single submitter. Criteria: ACMG Guidelines, 2015. Collection method: clinical testing. Allele origin: germline.
Comment: This variant causes a T to C nucleotide substitution at the +6 position of intron 23 of the CACNA1S gene. To our knowledge, RNA studies have not been reported for this variant. This variant has not been reported in individuals affected with CACNA1S-related disorders in the literature. This variant has not been identified in the general population by the Genome Aggregation Database (gnomAD). The available evidence is insufficient to determine the role of this variant in disease conclusively. Therefore, this variant is classified as a Variant of Uncertain Significance.

All of Us Research Program, National Institutes of Health
Classification: Uncertain significance for Malignant hyperthermia, susceptibility to, 5. Last evaluated: 2023-12-18. Review status: criteria provided, single submitter. Criteria: ACMG Guidelines, 2015. Collection method: clinical testing. Allele origin: germline. Inheritance: Autosomal dominant inheritance. Observed: 1 variant allele, 1 heterozygote.
Comment: This variant causes a T to C nucleotide substitution at the +6 position of intron 23 of the CACNA1S gene. To our knowledge, functional studies have not been reported for this variant. This variant has not been reported in individuals affected with CACNA1S-related disorders in the literature. This variant has not been identified in the general population by the Genome Aggregation Database (gnomAD). The available evidence is insufficient to determine the role of this variant in disease conclusively. Therefore, this variant is classified as a Variant of Uncertain Significance.

This study involves interpretation of variants in research participants for the purpose of population health screening. Participant phenotype was not available at the time of variant classification. Additional details can be found in publication PMID: 35346344, PMCID: PMC8962531